The following is an entry in ClinVar:

ClinVar aggregate classification (germline): Uncertain significance (1 of 4 stars; one submission).

gnomAD v4.1: 2 of 1,613,830 alleles (0.00012%); highest among the groups gnomAD compares: African/African-American, 0.0027%; no homozygotes.

Submission:

Ambry Genetics
Classification: Uncertain significance. Last evaluated: 2024-11-17. Review status: criteria provided, single submitter. Criteria: Ambry Variant Classification Scheme 2023. Collection method: clinical testing. Allele origin: germline.
Comment: The p.C431F variant (also known as c.1292G>T), located in coding exon 8 of the RNF43 gene, results from a G to T substitution at nucleotide position 1292. The cysteine at codon 431 is replaced by phenylalanine, an amino acid with highly dissimilar properties. This amino acid position is conserved. In addition, this alteration is predicted to be tolerated by in silico analysis. Based on the available evidence, the clinical significance of this variant remains unclear.

NM_017763.6(RNF43):c.1292G>T (p.Cys431Phe)

Gene: RNF43 (ring finger protein 43; minus strand). Cytogenetic location: 17q22.
Variant type: single nucleotide variant.
Coding change: c.1292G>T on transcript NM_017763.6 (MANE Select); coding-DNA position 1292, G replaced by T.
Protein change: p.Cys431Phe; replaces cysteine 431 with phenylalanine.
Molecular consequence: missense variant.
Genome position (GRCh38, 1-based): chr17:58,358,484, C>A on the plus strand (G>T on the coding strand, the complement: RNF43 is on the minus strand). VCF-style: chr17-58358484-C-A. GRCh37 (hg19) VCF-style: chr17-56435845-C-A.
Other names: c.1292G>T, p.Cys431Phe (NM_001305544.3); c.911G>T, p.Cys304Phe (NM_001305545.2); short protein forms C304F, C431F.
Identifiers: ClinVar variation 3434495 (VCV003434495.1).